The following is an entry in ClinVar:

ClinVar aggregate classification (germline): Uncertain significance (1 of 4 stars; one submission).

Allele frequency attached by ClinVar (database versions not stated): gnomAD exomes below 0.00001; gnomAD 0.00001; TOPMed 0.00004.
gnomAD v4.1: 6 of 1,536,802 alleles (0.00039%); highest among the groups gnomAD compares: African/African-American, 0.0055%; no homozygotes.

Submission:

GeneDx
Classification: Uncertain significance. Last evaluated: 2022-06-14. Review status: criteria provided, single submitter. Criteria: GeneDx Variant Classification Process June 2021. Collection method: clinical testing. Allele origin: germline. Affected: yes.
Comment: Not observed at significant frequency in large population cohorts (gnomAD); In silico analysis supports that this missense variant has a deleterious effect on protein structure/function; Has not been previously published as pathogenic or benign to our knowledge

NM_001378183.1(PIEZO2):c.5209A>G (p.Thr1737Ala)

Gene: PIEZO2 (piezo type mechanosensitive ion channel component 2; minus strand). Cytogenetic location: 18p11.22.
Variant type: single nucleotide variant.
Coding change: c.5209A>G on transcript NM_001378183.1 (MANE Select); coding-DNA position 5209, A replaced by G.
Protein change: p.Thr1737Ala; replaces threonine 1737 with alanine.
Molecular consequence: missense variant.
Genome position (GRCh38, 1-based): chr18:10,715,697, T>C on the plus strand (A>G on the coding strand, the complement: PIEZO2 is on the minus strand). VCF-style: chr18-10715697-T-C. GRCh37 (hg19) VCF-style: chr18-10715695-T-C.
Other names: c.5110A>G, p.Thr1704Ala (NM_001410871.1); c.5035A>G, p.Thr1679Ala (NM_022068.4); short protein forms T1679A, T1704A, T1737A.
Identifiers: ClinVar variation 1804498 (VCV001804498.1), dbSNP rs1037493936, ClinGen allele CA295999620.